The following is an entry in ClinVar:

ClinVar aggregate classification (germline): Uncertain significance. Review status: criteria provided, multiple submitters, no conflicts (2 of 4 stars). 3 submissions from 3 submitters: Uncertain significance (2). 1 of the submissions does not count toward it. Last evaluated 2024-12-11.

Conditions:
Late-infantile neuronal ceroid lipofuscinosis. Also called: Jansky-Bielschowsky disease. Identifiers: MedGen C0022340, MONDO:0015674.
Inborn genetic diseases. Identifiers: MedGen C0950123, MeSH D030342.
Neuronal ceroid lipofuscinosis 7 (CLN7). Also called: MFSD8-Related Neuronal Ceroid-Lipofuscinosis. Identifiers: Orphanet 168491, Orphanet 228366, MedGen C1838571, MONDO:0012588, OMIM 610951.

Allele frequency attached by ClinVar (database versions not stated): TOPMed below 0.00001; gnomAD 0.00001; gnomAD exomes 0.00002.

Submissions (3):

Ambry Genetics
Classification: Uncertain significance for Inborn genetic diseases. Last evaluated: 2024-12-11. Review status: criteria provided, single submitter. Criteria: Ambry Variant Classification Scheme 2023. Collection method: clinical testing. Allele origin: germline.

Labcorp Genetics (formerly Invitae), Labcorp
Classification: Uncertain significance for Neuronal ceroid lipofuscinosis 7. Last evaluated: 2021-12-14. Review status: criteria provided, single submitter. Criteria: Invitae Variant Classification Sherloc (09022015). Collection method: clinical testing. Allele origin: germline.
Comment: This sequence change replaces alanine, which is neutral and non-polar, with threonine, which is neutral and polar, at codon 257 of the MFSD8 protein (p.Ala257Thr). This variant is not present in population databases (gnomAD no frequency). This variant has not been reported in the literature in individuals affected with MFSD8-related conditions. Algorithms developed to predict the effect of missense changes on protein structure and function (SIFT, PolyPhen-2, Align-GVGD) all suggest that this variant is likely to be tolerated. In summary, the available evidence is currently insufficient to determine the role of this variant in disease. Therefore, it has been classified as a Variant of Uncertain Significance.

Natera, Inc.
Classification: Uncertain significance for Late-infantile neuronal ceroid lipofuscinosis. Last evaluated: 2025-01-31. Review status: no assertion criteria provided. Collection method: clinical testing. Allele origin: germline. Not counted in ClinVar's aggregate classification.

NM_001371596.2(MFSD8):c.769G>A (p.Ala257Thr)

Gene: MFSD8 (major facilitator superfamily domain containing 8; minus strand). Cytogenetic location: 4q28.2.
Variant type: single nucleotide variant.
Coding change: c.769G>A on transcript NM_001371596.2 (MANE Select); coding-DNA position 769, G replaced by A.
Protein change: p.Ala257Thr; replaces alanine 257 with threonine.
Molecular consequence: missense variant.
Genome position (GRCh38, 1-based): chr4:127,933,079, C>T on the plus strand (G>A on the coding strand, the complement: MFSD8 is on the minus strand). VCF-style: chr4-127933079-C-T. GRCh37 (hg19) VCF-style: chr4-128854234-C-T.
Other names: c.568G>A, p.Ala190Thr (NM_001363520.3); c.454G>A, p.Ala152Thr (NM_001363521.3); c.634G>A, p.Ala212Thr (NM_001371590.2); c.769G>A, p.Ala257Thr (NM_001371591.2, NM_152778.4); c.775G>A, p.Ala259Thr (NM_001371592.2); c.655G>A, p.Ala219Thr (NM_001371593.2, NM_001410766.1); c.622G>A, p.Ala208Thr (NM_001371594.2); c.487G>A, p.Ala163Thr (NM_001371595.1); and 2 more; short protein forms A219T, A152T, A208T, A257T, A212T, A163T, A190T, A259T.
Identifiers: ClinVar variation 1425190 (VCV001425190.6), dbSNP rs1255391064, ClinGen allele CA358174784.